The following is an entry in ClinVar:

ClinVar aggregate classification (germline): Conflicting classifications of pathogenicity. Review status: criteria provided, conflicting classifications (1 of 4 stars). 7 submissions from 7 submitters: Uncertain significance (1); Benign (2); Likely benign (3). 1 of the submissions does not count toward it. Last evaluated 2026-01-06.

Conditions:
TTN-related disorder. Also called: TTN-related condition; TTN-related disease; TTN-related disorders.
Cardiovascular phenotype. Identifiers: MedGen CN230736.
Autosomal recessive limb-girdle muscular dystrophy type 2J (LGMDR10). Also called: Limb-girdle muscular dystrophy, type 2J; MUSCULAR DYSTROPHY, LIMB-GIRDLE, AUTOSOMAL RECESSIVE 10. Identifiers: Orphanet 140922, MedGen C1837342, MONDO:0012127, OMIM 608807.
Dilated cardiomyopathy 1G (CMD1G). Identifiers: Orphanet 154, MedGen C1858763, MONDO:0011400, OMIM 604145.

Allele frequency attached by ClinVar (database versions not stated): gnomAD 0.00009 and 0.00022; TOPMed 0.00028; gnomAD exomes 0.00029 and 0.00040; ExAC 0.00036; 1000 Genomes Project 0.00120; 1000 Genomes Project 30x 0.00125.
gnomAD v4.1: 460 of 1,614,044 alleles (0.028%); highest among the groups gnomAD compares: East Asian, 0.62%; 3 homozygotes.

Submissions (7):

Labcorp Genetics (formerly Invitae), Labcorp
Classification: Likely benign for Dilated cardiomyopathy 1G; Autosomal recessive limb-girdle muscular dystrophy type 2J. Last evaluated: 2026-01-06. Review status: criteria provided, single submitter. Criteria: Invitae Variant Classification Sherloc (09022015). Collection method: clinical testing. Allele origin: germline.

Blueprint Genetics
Classification: Likely benign. Last evaluated: 2024-11-18. Review status: criteria provided, single submitter. Criteria: ACMG Guidelines, 2015. Collection method: clinical testing. Allele origin: germline.

Ambry Genetics
Classification: Benign for Cardiovascular phenotype. Last evaluated: 2020-06-23. Review status: criteria provided, single submitter. Criteria: Ambry Variant Classification Scheme 2023. Collection method: clinical testing. Allele origin: germline.

Eurofins Ntd Llc (ga)
Classification: Likely benign. Last evaluated: 2017-10-09. Review status: criteria provided, single submitter. Criteria: EGL Classification Definitions 2015. Collection method: clinical testing. Allele origin: germline. Observed: 1 variant allele, 1 heterozygote.

CeGaT Center for Human Genetics Tuebingen
Classification: Uncertain significance. Last evaluated: 2016-06-01. Review status: criteria provided, single submitter. Criteria: CeGaT Center For Human Genetics Tuebingen Variant Classification Criteria Version 2. Collection method: clinical testing. Allele origin: germline. Affected: yes. Observed: 1 variant allele.

GeneDx
Classification: Benign. Last evaluated: 2014-11-07. Review status: criteria provided, single submitter. Criteria: GeneDx Variant Classification (06012015). Collection method: clinical testing. Allele origin: germline. Affected: yes.
Comment: This variant is considered likely benign or benign based on one or more of the following criteria: it is a conservative change, it occurs at a poorly conserved position in the protein, it is predicted to be benign by multiple in silico algorithms, and/or has population frequency not consistent with disease.

PreventionGenetics, part of Exact Sciences
Classification: Likely benign for TTN-related condition. Last evaluated: 2022-01-26. Review status: no assertion criteria provided. Collection method: clinical testing. Allele origin: germline. Not counted in ClinVar's aggregate classification.
Comment: This variant is classified as likely benign based on ACMG/AMP sequence variant interpretation guidelines (Richards et al. 2015 PMID: 25741868, with internal and published modifications).

NM_001267550.2(TTN):c.2230G>A (p.Ala744Thr)

Gene: TTN (titin; minus strand). Cytogenetic location: 2q31.2.
Variant type: single nucleotide variant.
Coding change: c.2230G>A on transcript NM_001267550.2 (MANE Select); coding-DNA position 2230, G replaced by A.
Protein change: p.Ala744Thr; replaces alanine 744 with threonine.
Molecular consequence: missense variant.
Genome position (GRCh38, 1-based): chr2:178,785,988, C>T on the plus strand (G>A on the coding strand, the complement: TTN is on the minus strand). VCF-style: chr2-178785988-C-T. GRCh37 (hg19) VCF-style: chr2-179650715-C-T.
Other names: p.A744T:GCA>ACA; c.2230G>A, p.Ala744Thr (NM_001256850.1, NM_133378.4, NM_133379.5); c.2092G>A, p.Ala698Thr (NM_003319.4, NM_133432.3, NM_133437.4); short protein forms A744T, A698T.
Identifiers: ClinVar variation 202278 (VCV000202278.59), dbSNP rs144639994, ClinGen allele CA308962.